The following is an entry in ClinVar:

ClinVar aggregate classification (germline): Likely benign. Review status: criteria provided, multiple submitters, no conflicts (2 of 4 stars). 3 submissions from 3 submitters: Likely benign (2). 1 of the submissions does not count toward it. Last evaluated 2018-06-19.

Allele frequency attached by ClinVar (database versions not stated): 1000 Genomes Project 0.01637; ESP Exome Variant Server 0.01753; 1000 Genomes Project 30x 0.01530; TOPMed 0.01602.
gnomAD v4.1: 4,301 of 1,600,590 alleles (0.27%); highest among the groups gnomAD compares: African/African-American, 5.1%; 98 homozygotes.

Submissions (3):

GeneDx
Classification: Likely benign. Last evaluated: 2018-06-19. Review status: criteria provided, single submitter. Criteria: GeneDx Variant Classification (06012015). Collection method: clinical testing. Allele origin: germline. Affected: yes.
Comment: This variant is considered likely benign or benign based on one or more of the following criteria: it is a conservative change, it occurs at a poorly conserved position in the protein, it is predicted to be benign by multiple in silico algorithms, and/or has population frequency not consistent with disease.

Breakthrough Genomics
Classification: Likely benign. Review status: criteria provided, single submitter. Criteria: ACMG Guidelines, 2015. Collection method: not provided. Allele origin: germline. Inheritance: Autosomal recessive inheritance. Affected: yes.

Retina International
No classification provided. Review status: no classification provided. Collection method: not provided. Allele origin: not provided. Not counted in ClinVar's aggregate classification.

NM_000350.3(ABCA4):c.1760+22G>T

Gene: ABCA4 (ATP binding cassette subfamily A member 4; minus strand). Cytogenetic location: 1p22.1.
Variant type: single nucleotide variant.
Coding change: c.1760+22G>T on transcript NM_000350.3 (MANE Select); 22 bases into the intron after coding-DNA position 1760, G replaced by T.
Molecular consequence: intron variant.
Genome position (GRCh38, 1-based): chr1:94,063,090, C>A on the plus strand (G>T on the coding strand, the complement: ABCA4 is on the minus strand). VCF-style: chr1-94063090-C-A. GRCh37 (hg19) VCF-style: chr1-94528646-C-A.
Identifiers: ClinVar variation 99075 (VCV000099075.3), dbSNP rs61754020, ClinGen allele CA226921.